The following is an entry in ClinVar:

NM_201253.3(CRB1):c.4006-10A>G

Gene: CRB1 (crumbs cell polarity complex component 1; plus strand). Cytogenetic location: 1q31.3.
Variant type: single nucleotide variant.
Coding change: c.4006-10A>G on transcript NM_201253.3 (MANE Select); 10 bases into the intron before coding-DNA position 4006, A replaced by G.
Molecular consequence: intron variant.
Genome position (GRCh38, 1-based): chr1:197,477,654, A>G. VCF-style: chr1-197477654-A-G. GRCh37 (hg19) VCF-style: chr1-197446784-A-G.
Other names: c.3934-10A>G (NM_001257965.2); c.2398-10A>G (NM_001257966.2); c.3670-10A>G (NM_001193640.2).
Identifiers: ClinVar variation 851764 (VCV000851764.27), dbSNP rs766850702, ClinGen allele CA1312529.
Genomic context (GRCh38, chr1:197,477,654, plus strand): 5'-GTTCCATTGTCCTGAATATTTATTTGCCTTTGCTATAGAATTCGCATCCCAATGATTTCA[A>G]TCTTTCCAGTTGGCAGATGACTTGATCTCCGACATTTTCACCACTATTGGCTCAGTGACT-3'

ClinVar aggregate classification (germline): Conflicting classifications of pathogenicity. Review status: criteria provided, conflicting classifications (1 of 4 stars). 14 submissions from 14 submitters: Pathogenic (3); Likely pathogenic (7); Uncertain significance (1). 3 of the submissions do not count toward it. Last evaluated 2026-06-11.

Conditions:
Retinitis pigmentosa 12 (RP12). Also called: RP WITH OR WITHOUT PRESERVED PARAARTERIOLE RETINAL PIGMENT EPITHELIUM; RETINITIS PIGMENTOSA WITH OR WITHOUT PARAARTERIOLAR PRESERVATION OF RETINAL PIGMENT EPITHELIUM; RP WITH OR WITHOUT PPRPE. Identifiers: Orphanet 791, MedGen C1838647, MONDO:0010818, OMIM 600105.
Leber congenital amaurosis 8 (LCA8). Identifiers: Orphanet 65, MedGen C3151202, MONDO:0013453, OMIM 613835.
Pigmented paravenous retinochoroidal atrophy. Identifiers: Orphanet 251295, MedGen C1868310, MONDO:0008246, OMIM 172870.
Retinal dystrophy. Also called: Inherited retinal dystrophy. Identifiers: Orphanet 71862, MedGen C0854723, MeSH D058499, MONDO:0019118, HP:0000556.
Leber congenital amaurosis (LCA). Also called: Leber's amaurosis. Identifiers: Orphanet 65, MedGen C0339527, MeSH D057130, MONDO:0018998.
CRB1-related disorder. Also called: CRB1-related disorders; CRB1-related condition.

Allele frequency attached by ClinVar (database versions not stated): TOPMed below 0.00001; ExAC 0.00001; gnomAD 0.00001; gnomAD exomes 0.00001.
gnomAD v4.1: 19 of 1,612,816 alleles (0.0012%); highest among the groups gnomAD compares: African/African-American, 0.0053%; no homozygotes.

Submissions (14):

PreventionGenetics, part of Exact Sciences
Classification: Likely pathogenic for CRB1-related condition. Last evaluated: 2026-06-11. Review status: criteria provided, single submitter. Criteria: ACMG Guidelines, 2015. Collection method: clinical testing. Allele origin: germline.
Comment: The CRB1 c.4006-10A>G variant is predicted to interfere with splicing. This variant has been reported in individuals with autosomal recessive CRB1-related retinal disease (for examples see: Table S1, Lin et al. 2024. PubMed ID: 38219857; Supplementary Table 1, Karali et al. 2022. PubMed ID: 36460718; Cordovez et al. 2015. PubMed ID: 24512366). This variant is predicted to alter splicing based on available splicing prediction programs (SpliceAI, Jaganathan et al. 2019. PubMed ID: 30661751). This variant is reported in 0.0018% of alleles in individuals of European (Non-Finnish) descent in gnomAD. This variant is interpreted as likely pathogenic.

Labcorp Genetics (formerly Invitae), Labcorp
Classification: Pathogenic for Leber congenital amaurosis 8; Retinitis pigmentosa 12. Last evaluated: 2025-11-10. Review status: criteria provided, single submitter. Criteria: Invitae Variant Classification Sherloc (09022015). Collection method: clinical testing. Allele origin: germline.
Comment: This sequence change falls in intron 11 of the CRB1 gene. It does not directly change the encoded amino acid sequence of the CRB1 protein. This variant is present in population databases (rs766850702, gnomAD 0.002%). This variant has been observed in individual(s) with clinical features of CRB1-related conditions (PMID: 24512366; internal data). In at least one individual the data is consistent with being in trans (on the opposite chromosome) from a pathogenic variant. This variant is also known as IVS11-10A>G. ClinVar contains an entry for this variant (Variation ID: 851764). Algorithms developed to predict the effect of sequence changes on RNA splicing suggest that this variant may disrupt the consensus splice site. For these reasons, this variant has been classified as Pathogenic.

Natera, Inc.
Classification: Likely pathogenic for Leber congenital amaurosis. Last evaluated: 2025-08-17. Review status: criteria provided, single submitter. Criteria: Natera Variant Classification Schema (03/2026). Collection method: clinical testing. Allele origin: germline.
Comment: The c.4006-10A>G variant in CRB1 is an intronic variant located outside the canonical splice sites. This variant is rare in the general population with a frequency below the threshold expected for the associated phenotype(s). This variant has been observed in one or more individuals affected with the associated recessive disease, as either homozygous or compound heterozygous with a second variant (PMID: 37762234, 24512366, 33576794). Computational prediction algorithms indicate this variant is likely to affect gene or protein function. Given the available evidence, this variant is classified as Likely Pathogenic.

Dasa
Classification: Likely pathogenic. Last evaluated: 2025-06-19. Review status: criteria provided, single submitter. Criteria: DASA Assertion Criteria. Collection method: clinical testing. Allele origin: germline.
Comment: NM_201253.3(CRB1):c.4006-10A>G is a splice-region variant. This variant has been recurrently observed in individuals with CRB1-related disorders (PMID: 24512366; PMID: 33576794; PMID: 36460718; PMID: 36099972). Also, this variant is rare in population databases. Computational evidence supports a deleterious effect. Based on the currently available evidence, this variant is classified as likely pathogenic.

First Genomix Gene Laboratory, Genetic Diagnostics Department
Classification: Likely pathogenic for Leber congenital amaurosis 8; Retinitis pigmentosa 12. Last evaluated: 2025-01-28. Review status: criteria provided, single submitter. Criteria: ACMG Guidelines, 2015. Collection method: clinical testing. Allele origin: germline. Inheritance: Autosomal recessive inheritance. Affected: no. Observed: 1 variant allele.

3billion
Classification: Likely pathogenic for Retinitis pigmentosa 12. Last evaluated: 2024-12-31. Review status: criteria provided, single submitter. Criteria: ACMG Guidelines, 2015. Collection method: clinical testing. Allele origin: germline. Affected: yes.
Comment: The variant is observed at an extremely low frequency in the gnomAD v4.1.0 dataset (total allele frequency: 0.001%). Predicted Consequence/Location: Intron variant In silico tools predict the variant to alter splicing and produce an abnormal transcript [SpliceAI: 0.64 (>=0.2, moderate evidence for spliceogenicity)]. The variant has been reported to be in trans with a pathogenic variant as either compound heterozygous or homozygous in at least one similarly affected unrelated individual (PMID: 24512366). The variant has been reported at least twice as pathogenic with clinical assertions and evidence for the classification (ClinVar ID: VCV000851764 /PMID: 24512366). Therefore, this variant is classified as Likely pathogenic according to the recommendation of ACMG/AMP guideline.

Blueprint Genetics
Classification: Pathogenic for CRB1-related disorders. Last evaluated: 2024-09-26. Review status: criteria provided, single submitter. Criteria: ACMG Guidelines, 2015. Collection method: clinical testing. Allele origin: germline. Affected: yes. Observed: 5 variant alleles.

Fulgent Genetics
Classification: Likely pathogenic for Pigmented paravenous retinochoroidal atrophy; Retinitis pigmentosa 12; Leber congenital amaurosis 8. Last evaluated: 2024-06-14. Review status: criteria provided, single submitter. Criteria: ACMG Guidelines, 2015. Collection method: clinical testing. Allele origin: germline.

Baylor Genetics
Classification: Pathogenic for Leber congenital amaurosis 8. Last evaluated: 2024-02-28. Review status: criteria provided, single submitter. Criteria: ACMG Guidelines, 2015. Collection method: clinical testing. Allele origin: unknown.

Women's Health and Genetics/Laboratory Corporation of America, LabCorp
Classification: Likely pathogenic for Retinal dystrophy. Last evaluated: 2023-08-17. Review status: criteria provided, single submitter. Criteria: LabCorp Variant Classification Summary - May 2015. Collection method: clinical testing. Allele origin: germline.
Comment: Variant summary: CRB1 c.4006-10A>G alters a conserved nucleotide located at a position not widely known to affect splicing. Several computational tools predict a significant impact on normal splicing: One predicts the variant abolishes a 3 acceptor site. Two predict the variant weakens a 3 acceptor site. Two predict the variant creates a cryptic 3 acceptor site. However, these predictions have yet to be confirmed by functional studies. The variant allele was found at a frequency of 8e-06 in 251020 control chromosomes (gnomAD and publication data). c.4006-10A>G has been reported in the literature in individuals affected with Retinal Dystrophy (Cordovez_2015, Colombo_2021, Daich Varela_2022, Karali_2022). These data indicate that the variant is likely to be associated with disease. To our knowledge, no experimental evidence demonstrating an impact on protein function has been reported. The following publications have been ascertained in the context of this evaluation (PMID: 33576794, 24512366, 36099972, 34758253). Four submitters have cited clinical-significance assessments for this variant to ClinVar after 2014 and classified this variant as uncertain significance (n=2), likely pathogenic (n=1) and pathogenic (n=1). Based on the evidence outlined above, the variant was classified as likely pathogenic.

Institute of Human Genetics, Univ. Regensburg, Univ. Regensburg
Classification: Uncertain significance for Retinal dystrophy. Last evaluated: 2018-01-01. Review status: criteria provided, single submitter. Criteria: ACMG Guidelines, 2015. Collection method: clinical testing. Allele origin: germline. Affected: yes.

Genomics England Pilot Project, Genomics England
Classification: Likely pathogenic for Retinitis pigmentosa 12. Review status: no assertion criteria provided. Criteria: ACGS Guidelines, 2016. Collection method: clinical testing. Allele origin: germline. Affected: yes. Not counted in ClinVar's aggregate classification.

Ocular Genomics Institute, Massachusetts Eye and Ear
Classification: Uncertain significance for Retinitis pigmentosa 12. Last evaluated: 2021-04-08. Review status: flagged submission. Criteria: ACMG Guidelines, 2015. Collection method: research. Allele origin: germline. Affected: yes. Not counted in ClinVar's aggregate classification.
Comment: Through a review of available evidence we were able to apply the following criteria: PM2. Based on this evidence we have classified this variant as Variant of Uncertain Significance.
ClinVar note: Reason: Older claim that does not account for recent evidence

Centre for Mendelian Genomics, University Medical Centre Ljubljana
Classification: Uncertain significance for Pigmented paravenous retinochoroidal atrophy. Last evaluated: 2019-02-24. Review status: flagged submission. Criteria: ACMG Guidelines, 2015. Collection method: clinical testing. Allele origin: unknown. Affected: yes. Not counted in ClinVar's aggregate classification.
Comment: This variant was classified as: Uncertain significance. The available evidence favors the pathogenic nature of this variant, however the currently available data is insufficient to conclusively support its pathogenic nature. Thus this variant is classified as Uncertain significance - favor pathogenic. The following ACMG criteria were applied in classifying this variant: PM2.
ClinVar note: Reason: Older claim that does not account for recent evidence

Literature cited by the submitters: PubMed 24512366 (cited by 6 submitters); PubMed 37762234 (cited by Natera, Inc.); PubMed 33576794 (cited by 4 submitters); PubMed 36460718 (cited by 3 submitters); PubMed 36099972 (cited by Dasa and Women's Health and Genetics/Laboratory Corporation of America, LabCorp); PubMed 34758253 (cited by Women's Health and Genetics/Laboratory Corporation of America, LabCorp and Institute of Human Genetics, Univ. Regensburg, Univ. Regensburg).